The following is an entry in ClinVar:

NM_005529.7(HSPG2):c.1495G>A (p.Val499Ile)

Gene: HSPG2 (heparan sulfate proteoglycan 2; minus strand). Cytogenetic location: 1p36.12.
Variant type: single nucleotide variant.
Coding change: c.1495G>A on transcript NM_005529.7 (MANE Select); coding-DNA position 1495, G replaced by A.
Protein change: p.Val499Ile; replaces valine 499 with isoleucine.
Molecular consequence: missense variant.
Genome position (GRCh38, 1-based): chr1:21,884,779, C>T on the plus strand (G>A on the coding strand, the complement: HSPG2 is on the minus strand). VCF-style: chr1-21884779-C-T. GRCh37 (hg19) VCF-style: chr1-22211272-C-T.
Other names: c.1495G>A (NM_005529.5); c.1495G>A, p.Val499Ile (NM_001291860.2); short protein forms V499I.
Identifiers: ClinVar variation 585983 (VCV000585983.6), dbSNP rs376748881, ClinGen allele CA673446.
Genomic context (GRCh38, chr1:21,884,779, plus strand): 5'-AGCCCGGCTCTGCCCCCACACCCGGTGACACCTGCCCTCCGGCAGTACCTCGTTGTGGGA[C>T]GAGCTCAAGGACACCGTCAGGAATGCCAAACACCATGCCCCGGGCGTTCATGGCCTCACA-3'
Protein context (NP_005520.4, residues 489-509): FGIPDGVLEL[Val499Ile]PQRGPCPDGH

ClinVar aggregate classification (germline): Conflicting classifications of pathogenicity. Review status: criteria provided, conflicting classifications (1 of 4 stars). 3 submissions from 3 submitters: Uncertain significance (2); Likely benign (1). Last evaluated 2026-08-06.

Conditions:
Inborn genetic diseases. Identifiers: MedGen C0950123, MeSH D030342.

Allele frequency attached by ClinVar (database versions not stated): ExAC 0.00003; gnomAD 0.00003; TOPMed 0.00003; ESP Exome Variant Server 0.00008.
gnomAD v4.1: 22 of 1,613,446 alleles (0.0014%); highest among the groups gnomAD compares: Admixed American, 0.0067%; no homozygotes.

Submissions (3):

GeneDx
Classification: Uncertain significance. Last evaluated: 2026-08-06. Review status: criteria provided, single submitter. Criteria: GeneDx Variant Classification Process June 2021. Collection method: clinical testing. Allele origin: germline.
Comment: In silico analysis suggests that this missense variant does not alter protein structure/function; Has not been previously published as pathogenic or benign to our knowledge

Ambry Genetics
Classification: Likely benign for Inborn genetic diseases. Last evaluated: 2022-08-08. Review status: criteria provided, single submitter. Criteria: Ambry Variant Classification Scheme 2023. Collection method: clinical testing. Allele origin: germline.

Athena Diagnostics
Classification: Uncertain significance. Last evaluated: 2017-11-17. Review status: criteria provided, single submitter. Criteria: Athena Diagnostics Criteria. Collection method: clinical testing. Allele origin: germline.